The following is an entry in ClinVar:

ClinVar aggregate classification (germline): Likely pathogenic (1 of 4 stars; one submission).

Conditions:
Mowat-Wilson syndrome (MOWS). Also called: Classic Mowat-Wilson Syndrome. Identifiers: Orphanet 2152, MedGen C1856113, MONDO:0009341, OMIM 235730.

Submission:

Labcorp Genetics (formerly Invitae), Labcorp
Classification: Likely pathogenic for Mowat-Wilson syndrome. Last evaluated: 2024-04-01. Review status: criteria provided, single submitter. Criteria: Invitae Variant Classification Sherloc (09022015). Collection method: clinical testing. Allele origin: germline.
Comment: This variant, c.3208_3213del, results in the deletion of 2 amino acid(s) of the ZEB2 protein (p.Tyr1070_Ser1071del), but otherwise preserves the integrity of the reading frame. This variant is not present in population databases (gnomAD no frequency). This variant has been observed in individual(s) with ZEB2-related conditions (Invitae). In at least one individual the variant was observed to be de novo. Experimental studies and prediction algorithms are not available or were not evaluated, and the functional significance of this variant is currently unknown. In summary, the currently available evidence indicates that the variant is pathogenic, but additional data are needed to prove that conclusively. Therefore, this variant has been classified as Likely Pathogenic.

NM_014795.4(ZEB2):c.3208_3213del (p.Tyr1070_Ser1071del)

Gene: ZEB2 (zinc finger E-box binding homeobox 2; minus strand). Cytogenetic location: 2q22.3.
Variant type: Deletion.
Coding change: c.3208_3213del on transcript NM_014795.4 (MANE Select); coding-DNA positions 3208 to 3213, 6 bases deleted (TACTCG; older notation c.3208_3213delTACTCG).
Protein change: p.Tyr1070_Ser1071del.
Molecular consequence: inframe deletion.
Genome position (GRCh38, 1-based): chr2:144,389,883-144,389,888, CGAGTA deleted on the plus strand (TACTCG on the coding strand, the reverse complement: ZEB2 is on the minus strand); deleting any 6 consecutive bases within chr2:144,389,883-144,389,892 gives the same sequence; the c. name uses the placement nearest the transcript's 3' end. VCF-style (leftmost placement, unchanged base first): chr2-144389882-GCGAGTA-G. GRCh37 (hg19) VCF-style: chr2-145147449-GCGAGTA-G.
Other names: c.3136_3141del, p.Tyr1046_Ser1047del (NM_001171653.2).
Identifiers: ClinVar variation 2744546 (VCV002744546.3), dbSNP rs2549101903, ClinGen allele CA2697551030.